The following is an entry in ClinVar:

ClinVar aggregate classification (germline): Uncertain significance (0 of 4 stars; one submission).

Conditions:
LEPR-related disorder. Also called: LEPR-related condition; LEPR-related disorders.

gnomAD v4.1: 5 of 1,613,898 alleles (0.00031%); highest among the groups gnomAD compares: Admixed American, 0.005%; no homozygotes.

Submission:

PreventionGenetics, part of Exact Sciences
Classification: Uncertain significance for LEPR-related condition. Last evaluated: 2024-04-09. Review status: no assertion criteria provided. Collection method: clinical testing. Allele origin: germline.
Comment: The LEPR c.2818G>C variant is predicted to result in the amino acid substitution p.Val940Leu. To our knowledge, this variant has not been reported in the literature. This variant is reported in 0.012% of alleles in individuals of Latino descent in gnomAD. At this time, the clinical significance of this variant is uncertain due to the absence of conclusive functional and genetic evidence.

NM_002303.6(LEPR):c.2818G>C (p.Val940Leu)

Gene: LEPR (leptin receptor; plus strand). Cytogenetic location: 1p31.3.
Variant type: single nucleotide variant.
Coding change: c.2818G>C on transcript NM_002303.6 (MANE Select); coding-DNA position 2818, G replaced by C.
Protein change: p.Val940Leu; replaces valine 940 with leucine.
Molecular consequence: missense variant.
Genome position (GRCh38, 1-based): chr1:65,636,335, G>C. VCF-style: chr1-65636335-G-C. GRCh37 (hg19) VCF-style: chr1-66102018-G-C.
Other names: short protein forms V940L.
Identifiers: ClinVar variation 3356954 (VCV003356954.1).